The following is an entry in ClinVar:

NM_152327.5(AK7):c.498+4A>T

Gene: AK7 (adenylate kinase 7; plus strand). Cytogenetic location: 14q32.2.
Variant type: single nucleotide variant.
Coding change: c.498+4A>T on transcript NM_152327.5 (MANE Select); 4 bases into the intron after coding-DNA position 498, A replaced by T.
Molecular consequence: intron variant.
Genome position (GRCh38, 1-based): chr14:96,408,945, A>T. VCF-style: chr14-96408945-A-T. GRCh37 (hg19) VCF-style: chr14-96875282-A-T.
Other names: c.498+4A>T (NM_001350888.2, NM_001350890.2, NM_001350892.2 and 1 more transcripts).
Identifiers: ClinVar variation 3001654 (VCV003001654.3), dbSNP rs758474372, ClinGen allele CA615878726.

ClinVar aggregate classification (germline): Uncertain significance (1 of 4 stars; one submission).

Allele frequency attached by ClinVar (database versions not stated): TOPMed below 0.00001; gnomAD 0.00001.
gnomAD v4.1: 37 of 1,613,740 alleles (0.0023%); highest among the groups gnomAD compares: Non-Finnish European, 0.0031%; no homozygotes.

Submission:

Labcorp Genetics (formerly Invitae), Labcorp
Classification: Uncertain significance. Last evaluated: 2023-05-30. Review status: criteria provided, single submitter. Criteria: Invitae Variant Classification Sherloc (09022015). Collection method: clinical testing. Allele origin: germline.
Comment: In summary, the available evidence is currently insufficient to determine the role of this variant in disease. Therefore, it has been classified as a Variant of Uncertain Significance. Variants that disrupt the consensus splice site are a relatively common cause of aberrant splicing (PMID: 17576681, 9536098). Algorithms developed to predict the effect of sequence changes on RNA splicing suggest that this variant may disrupt the consensus splice site. This variant has not been reported in the literature in individuals affected with AK7-related conditions. This variant is present in population databases (no rsID available, gnomAD 0.0009%). This sequence change falls in intron 4 of the AK7 gene. It does not directly change the encoded amino acid sequence of the AK7 protein. It affects a nucleotide within the consensus splice site.

Literature cited by the submitters: PubMed 17576681; PubMed 9536098.